The following is an entry in ClinVar:

ClinVar aggregate classification (germline): Uncertain significance (1 of 4 stars; one submission).

Allele frequency attached by ClinVar (database versions not stated): gnomAD exomes below 0.00001; ExAC 0.00002; ESP Exome Variant Server 0.00008.
gnomAD v4.1: 1 of 1,614,010 alleles (0.000062%); highest among the groups gnomAD compares: South Asian, 0.0011%; no homozygotes.

Submission:

Labcorp Genetics (formerly Invitae), Labcorp
Classification: Uncertain significance. Last evaluated: 2022-02-25. Review status: criteria provided, single submitter. Criteria: Invitae Variant Classification Sherloc (09022015). Collection method: clinical testing. Allele origin: germline.
Comment: In summary, the available evidence is currently insufficient to determine the role of this variant in disease. Therefore, it has been classified as a Variant of Uncertain Significance. Algorithms developed to predict the effect of missense changes on protein structure and function are either unavailable or do not agree on the potential impact of this missense change (SIFT: "Deleterious"; PolyPhen-2: "Benign"; Align-GVGD: "Class C0"). This variant has not been reported in the literature in individuals affected with PLK4-related conditions. This variant is present in population databases (rs377418001, gnomAD 0.003%). This sequence change replaces aspartic acid, which is acidic and polar, with histidine, which is basic and polar, at codon 529 of the PLK4 protein (p.Asp529His).

NM_014264.5(PLK4):c.1585G>C (p.Asp529His)

Gene: PLK4 (polo like kinase 4; plus strand). Cytogenetic location: 4q28.1.
Variant type: single nucleotide variant.
Coding change: c.1585G>C on transcript NM_014264.5 (MANE Select); coding-DNA position 1585, G replaced by C.
Protein change: p.Asp529His; replaces aspartic acid 529 with histidine.
Molecular consequence: missense variant.
Genome position (GRCh38, 1-based): chr4:127,889,991, G>C. VCF-style: chr4-127889991-G-C. GRCh37 (hg19) VCF-style: chr4-128811146-G-C.
Other names: c.1489G>C, p.Asp497His (NM_001190799.2); c.1462G>C, p.Asp488His (NM_001190801.2); short protein forms D488H, D529H, D497H.
Identifiers: ClinVar variation 2043345 (VCV002043345.4), dbSNP rs377418001, ClinGen allele CA3076811.